The following is an entry in ClinVar:

ClinVar aggregate classification (germline): Uncertain significance. Review status: criteria provided, multiple submitters, no conflicts (2 of 4 stars). 2 submissions from 2 submitters: Uncertain significance (2). Last evaluated 2026-02-20.

Conditions:
Long QT syndrome (LQTS). Identifiers: MedGen C0023976, MeSH D008133, MONDO:0002442. Disease mechanism: loss of function. Inheritance: Various modes of inheritance.

Submissions (2):

GeneDx
Classification: Uncertain significance. Last evaluated: 2026-02-20. Review status: criteria provided, single submitter. Criteria: GeneDx Variant Classification Process June 2021. Collection method: clinical testing. Allele origin: germline.
Comment: Not observed at significant frequency in large population cohorts (gnomAD); In silico analysis suggests that this missense variant does not alter protein structure/function; Has not been previously published as pathogenic or benign to our knowledge

Labcorp Genetics (formerly Invitae), Labcorp
Classification: Uncertain significance for Long QT syndrome. Last evaluated: 2023-12-07. Review status: criteria provided, single submitter. Criteria: Invitae Variant Classification Sherloc (09022015). Collection method: clinical testing. Allele origin: germline.
Comment: This sequence change replaces methionine, which is neutral and non-polar, with isoleucine, which is neutral and non-polar, at codon 853 of the CACNA1C protein (p.Met853Ile). This variant is not present in population databases (gnomAD no frequency). This variant has not been reported in the literature in individuals affected with CACNA1C-related conditions. ClinVar contains an entry for this variant (Variation ID: 847826). Advanced modeling of protein sequence and biophysical properties (such as structural, functional, and spatial information, amino acid conservation, physicochemical variation, residue mobility, and thermodynamic stability) performed at Invitae indicates that this missense variant is not expected to disrupt CACNA1C protein function with a negative predictive value of 95%. In summary, the available evidence is currently insufficient to determine the role of this variant in disease. Therefore, it has been classified as a Variant of Uncertain Significance.

NM_000719.7(CACNA1C):c.2559G>A (p.Met853Ile)

Gene: CACNA1C (calcium voltage-gated channel subunit alpha1 C; plus strand). Cytogenetic location: 12p13.33.
Variant type: single nucleotide variant.
Coding change: c.2559G>A on transcript NM_000719.7 (MANE Select); coding-DNA position 2559, G replaced by A.
Protein change: p.Met853Ile; replaces methionine 853 with isoleucine.
Molecular consequence: missense variant.
Genome position (GRCh38, 1-based): chr12:2,593,241, G>A. VCF-style: chr12-2593241-G-A. GRCh37 (hg19) VCF-style: chr12-2702407-G-A.
Other names: c.2559G>A, p.Met853Ile (NM_001129827.2, NM_001129829.2, NM_001129830.3 and 18 more transcripts); c.2550G>A, p.Met850Ile (NM_001129844.2); short protein forms M853I, M850I.
Identifiers: ClinVar variation 847826 (VCV000847826.11), dbSNP rs2066333241, ClinGen allele CA383372127.